The following is an entry in ClinVar:

NM_001197104.2(KMT2A):c.5251A>T (p.Lys1751Ter)

Gene: KMT2A (lysine methyltransferase 2A; plus strand). Cytogenetic location: 11q23.3.
Variant type: single nucleotide variant.
Coding change: c.5251A>T on transcript NM_001197104.2 (MANE Select); coding-DNA position 5251, A replaced by T.
Protein change: p.Lys1751Ter; replaces lysine 1751 with a stop codon.
Molecular consequence: nonsense.
Genome position (GRCh38, 1-based): chr11:118,494,360, A>T. VCF-style: chr11-118494360-A-T. GRCh37 (hg19) VCF-style: chr11-118365075-A-T.
Other names: c.5242A>T, p.Lys1748Ter (NM_005933.4); short protein forms K1751*, K1748*.
Identifiers: ClinVar variation 280748 (VCV000280748.11), dbSNP rs886041896, ClinGen allele CA10603139.

ClinVar aggregate classification (germline): Pathogenic. Review status: criteria provided, multiple submitters, no conflicts (2 of 4 stars). 7 submissions from 7 submitters: Pathogenic (7). Last evaluated 2026-01-26.

Conditions:
KMT2A-related disorder. Also called: KMT2A-related condition.
Inborn genetic diseases. Identifiers: MedGen C0950123, MeSH D030342.
Wiedemann-Steiner syndrome (WDSTS). Also called: Growth deficiency and mental retardation with facial dysmorphism. Identifiers: Orphanet 319182, MedGen C1854630, MONDO:0011518, OMIM 605130.

Submissions (7):

Medical and Scientific Branch, Hong Kong Genome Institute
Classification: Pathogenic for Wiedemann-Steiner syndrome. Last evaluated: 2026-01-26. Review status: criteria provided, single submitter. Criteria: ACMG Guidelines, 2015. Collection method: clinical testing. Allele origin: de novo. Affected: yes.

OLLIN Analises Genomicas, OLLIN
Classification: Pathogenic for Wiedemann-Steiner syndrome. Last evaluated: 2025-06-16. Review status: criteria provided, single submitter. Criteria: ACMG Guidelines 2015 PMID 25741868. Collection method: clinical testing. Allele origin: germline. Affected: yes. Observed: 1 variant allele.
Comment: The nonsense variant (chr11:118494360A>T), located in exon 17 (of 36), is not reported in the gnomAD v4.1 non-UKB databases and was not found in the scientific literature. However, it is reported in the ClinVar database (VCV000280748.9). This variant introduces a premature stop codon, resulting in a truncated protein or mRNA degradation via nonsense-mediated decay (NMD). According to currently available evidence, this variant has been classified as pathogenic (PVS1, PS4_P, PM2_P).

Clinical Genomics Laboratory, Washington University in St. Louis
Classification: Pathogenic for Wiedemann-Steiner syndrome. Last evaluated: 2023-10-30. Review status: criteria provided, single submitter. Criteria: ACMG Guidelines, 2015. Collection method: clinical testing. Allele origin: germline. Affected: yes.
Comment: The KMT2A c.5251A>T (p.Lys1751Ter) variant has been reported in several individuals affected with neurodevelopmental disorders (Foroutan A et al., PMID: 35163737; Sheppard SE et al., PMID: 33783954; Trujillano D et al., PMID: 27848944; Wang T et al. Nat Commun., PMID: 33004838). This variant has been reported in the ClinVar database as a germline pathogenic variant by two submitters. This variant is absent from the general population (gnomAD v.2.1.1), indicating it is not a common variant. This variant causes a premature termination codon, which is predicted to lead to nonsense mediated decay. Based on available information and the ACMG/AMP guidelines for variant interpretation (Richards S et al., PMID: 25741868), this variant is classified as pathogenic.

GeneDx
Classification: Pathogenic. Last evaluated: 2021-03-10. Review status: criteria provided, single submitter. Criteria: GeneDx Variant Classification Process June 2021. Collection method: clinical testing. Allele origin: germline. Affected: yes.
Comment: Nonsense variant predicted to result in protein truncation or nonsense mediated decay in a gene for which loss-of-function is a known mechanism of disease; Not observed in large population cohorts (Lek et al., 2016); This variant is associated with the following publications: (PMID: 27848944, 28191889)

Blueprint Genetics
Classification: Pathogenic for KMT2A-related disorders. Last evaluated: 2020-11-04. Review status: criteria provided, single submitter. Criteria: ACMG Guidelines, 2015. Collection method: clinical testing. Allele origin: germline. Affected: yes. Observed: 1 variant allele.

Ambry Genetics
Classification: Pathogenic for Inborn genetic diseases. Last evaluated: 2017-10-10. Review status: criteria provided, single submitter. Criteria: Ambry exome assertion method (8-5-2015). Collection method: clinical testing. Allele origin: germline. Affected: yes. Observed: 1 variant allele.

Juno Genomics, Hangzhou Juno Genomics, Inc
Classification: Pathogenic for Wiedemann-Steiner syndrome. Review status: criteria provided, single submitter. Criteria: ACMG Guidelines, 2015. Collection method: clinical testing. Allele origin: germline. Affected: yes.
Comment: Absent from controls (or at extremely low frequency if recessive) in Genome Aggregation Database, Exome Sequencing Project, 1000 Genomes Project, or Exome Aggregation Consortium.;Null variant in a gene where loss of function (LOF) is a known mechanism of disease.;The prevalence of the variant in affected individuals is significantly increased compared to the prevalence in controls.